The following is an entry in ClinVar:

NM_001127649.3(PEX26):c.834_836delinsA (p.His278fs)

Gene: PEX26 (peroxisomal biogenesis factor 26; plus strand). Cytogenetic location: 22q11.21.
Variant type: Indel.
Coding change: c.834_836delinsA on transcript NM_001127649.3 (MANE Select); coding-DNA positions 834 to 836, CTT replaced by A.
Protein change: p.His278fs; shifts the reading frame from histidine 278.
Molecular consequence: frameshift variant.
Genome position (GRCh38, 1-based): chr22:18,087,991-18,087,993, CTT replaced by A. VCF-style: chr22-18087991-CTT-A. GRCh37 (hg19) VCF-style: chr22-18570757-CTT-A.
Other names: c.687_689delinsA, p.His229fs (NM_001199319.2); c.834_836delinsA, p.His278fs (NM_017929.6); short protein forms H278fs, H229fs.
Identifiers: ClinVar variation 4791198 (VCV004791198.1).

ClinVar aggregate classification (germline): Uncertain significance (1 of 4 stars; one submission).

Conditions:
Peroxisome biogenesis disorder 7A (Zellweger). Also called: Peroxisome biogenesis disorder 7A. Identifiers: Orphanet 912, MedGen C3888385, MONDO:0013938, OMIM 614872.
Peroxisome biogenesis disorder 7B (PBD7B). Identifiers: Orphanet 44, MedGen C3553951, MONDO:0013939, OMIM 614873.

Submission:

Labcorp Genetics (formerly Invitae), Labcorp
Classification: Uncertain significance for Peroxisome biogenesis disorder 7A (Zellweger); Peroxisome biogenesis disorder 7B. Last evaluated: 2025-06-23. Review status: criteria provided, single submitter. Criteria: Invitae Variant Classification Sherloc (09022015). Collection method: clinical testing. Allele origin: germline.
Comment: This sequence change creates a premature translational stop signal (p.His278Glnfs*27) in the PEX26 gene. While this is not anticipated to result in nonsense mediated decay, it is expected to disrupt the last 28 amino acid(s) of the PEX26 protein. Information on the frequency of this variant in the gnomAD database is not available, as this variant may be reported differently in the database. This variant has not been reported in the literature in individuals affected with PEX26-related conditions. Experimental studies and prediction algorithms are not available or were not evaluated, and the functional significance of this variant is currently unknown. In summary, the available evidence is currently insufficient to determine the role of this variant in disease. Therefore, it has been classified as a Variant of Uncertain Significance.